The following is an entry in ClinVar:

ClinVar aggregate classification (germline): Uncertain significance. Review status: criteria provided, multiple submitters, no conflicts (2 of 4 stars). 2 submissions from 2 submitters: Uncertain significance (2). Last evaluated 2019-10-02.

Conditions:
Cone-rod dystrophy 6 (CORD6). Also called: RETINAL CONE DYSTROPHY 2; Cone dystrophy progressive. Identifiers: Orphanet 1872, MedGen C1866293, MONDO:0011143, OMIM 601777.
Leber congenital amaurosis 1 (LCA1). Also called: RETINAL BLINDNESS, CONGENITAL; AMAUROSIS CONGENITA OF LEBER I; Congenital absence of the rods and cones; Leber's congenital tapetoretinal degeneration; Leber's congenital tapetoretinal dysplasia. Identifiers: Orphanet 65, MedGen C2931258, MONDO:0008764, OMIM 204000.

Submissions (2):

Blueprint Genetics
Classification: Uncertain significance. Last evaluated: 2019-10-02. Review status: criteria provided, single submitter. Criteria: ACMG Guidelines, 2015. Collection method: clinical testing. Allele origin: germline.

Labcorp Genetics (formerly Invitae), Labcorp
Classification: Uncertain significance for Leber congenital amaurosis 1; Cone-rod dystrophy 6. Last evaluated: 2019-09-04. Review status: criteria provided, single submitter. Criteria: Invitae Variant Classification Sherloc (09022015). Collection method: clinical testing. Allele origin: germline.
Comment: This variant is not present in population databases (ExAC no frequency). This sequence change replaces methionine with isoleucine at codon 968 of the GUCY2D protein (p.Met968Ile). The methionine residue is highly conserved and there is a small physicochemical difference between methionine and isoleucine. This variant has not been reported in the literature in individuals with GUCY2D-related conditions. In summary, the available evidence is currently insufficient to determine the role of this variant in disease. Therefore, it has been classified as a Variant of Uncertain Significance. Algorithms developed to predict the effect of missense changes on protein structure and function are either unavailable or do not agree on the potential impact of this missense change (SIFT: "Deleterious"; PolyPhen-2: "Probably Damaging"; Align-GVGD: "Class C0").

NM_000180.4(GUCY2D):c.2904G>T (p.Met968Ile)

Gene: GUCY2D (guanylate cyclase 2D, retinal; plus strand). Cytogenetic location: 17p13.1.
Variant type: single nucleotide variant.
Coding change: c.2904G>T on transcript NM_000180.4 (MANE Select); coding-DNA position 2904, G replaced by T.
Protein change: p.Met968Ile; replaces methionine 968 with isoleucine.
Molecular consequence: missense variant.
Genome position (GRCh38, 1-based): chr17:8,015,462, G>T. VCF-style: chr17-8015462-G-T. GRCh37 (hg19) VCF-style: chr17-7918780-G-T.
Other names: short protein forms M968I.
Identifiers: ClinVar variation 939240 (VCV000939240.10), dbSNP rs1975948376, ClinGen allele CA397954861.